The following is an entry in ClinVar:

ClinVar aggregate classification (germline): Uncertain significance (1 of 4 stars; one submission).

Submission:

GeneDx
Classification: Uncertain significance. Last evaluated: 2026-03-24. Review status: criteria provided, single submitter. Criteria: GeneDx Variant Classification Process June 2021. Collection method: clinical testing. Allele origin: germline.
Comment: Not observed at significant frequency in large population cohorts (gnomAD); Frameshift variant predicted to result in abnormal protein length as the last 117 amino acid(s) are replaced with 11 different amino acid(s); Has not been previously published as pathogenic or benign to our knowledge

NM_001378477.3(NYX):c.1079del (p.Pro360fs)

Gene: NYX (nyctalopin; plus strand). Cytogenetic location: Xp11.4.
Variant type: Deletion.
Coding change: c.1079del on transcript NM_001378477.3 (MANE Select); coding-DNA position 1079, one base deleted (C; older notation c.1079delC).
Protein change: p.Pro360fs; shifts the reading frame from proline 360.
Molecular consequence: frameshift variant.
Genome position (GRCh38, 1-based): chrX:41,474,547, C deleted; the last of 4 consecutive C bases (chrX:41,474,544-41,474,547); deleting any one gives the same sequence. VCF-style (leftmost placement, unchanged base first): chrX-41474543-TC-T. GRCh37 (hg19) VCF-style: chrX-41333796-TC-T.
Other names: c.1079del, p.Pro360fs (NM_022567.3); short protein forms P360fs.
Identifiers: ClinVar variation 5017081 (VCV005017081.1).